The following is an entry in ClinVar:

NM_015021.3(ZNF292):c.6015dup (p.Lys2006fs)

Gene: ZNF292 (zinc finger protein 292; plus strand). Cytogenetic location: 6q14.3.
Variant type: Duplication.
Coding change: c.6015dup on transcript NM_015021.3 (MANE Select); coding-DNA position 6015, one base duplicated (G; older notation c.6015dupG).
Protein change: p.Lys2006fs; shifts the reading frame from lysine 2006.
Molecular consequence: frameshift variant.
Genome position (GRCh38, 1-based): chr6:87,259,644, G duplicated. VCF-style (leftmost placement, unchanged base first): chr6-87259643-T-TG. GRCh37 (hg19) VCF-style: chr6-87969361-T-TG.
Other names: c.5595dup, p.Lys1866fs (NM_001351444.2); short protein forms K1866fs, K2006fs.
Identifiers: ClinVar variation 1320141 (VCV001320141.1), dbSNP rs2127871142, ClinGen allele CA2573052756.

ClinVar aggregate classification (germline): Likely pathogenic (1 of 4 stars; one submission).

Conditions:
Intellectual developmental disorder, autosomal dominant 64. Also called: MENTAL RETARDATION, AUTOSOMAL DOMINANT 64. Identifiers: MedGen C5543067, MONDO:0030934, OMIM 619188.

Submission:

3billion
Classification: Likely pathogenic for Intellectual developmental disorder, autosomal dominant 64. Last evaluated: 2021-10-02. Review status: criteria provided, single submitter. Criteria: ACMG Guidelines, 2015. Collection method: clinical testing. Allele origin: unknown. Affected: yes. Observed: 1 heterozygote.
Comment: Frameshift: predicted to result in a loss or disruption of normal protein function through nonsense-mediated decay (NMD) or protein truncation. Multiple pathogenic variants are reported downstream of the variant (PVS1_VS). It is not observed in the gnomAD v2.1.1 dataset (PM2). Therefore, this variant is classified as likely pathogenic according to the recommendation of ACMG/AMP guideline.